The following is an entry in ClinVar:

NM_000059.4(BRCA2):c.6579A>G (p.Glu2193=)

Gene: BRCA2 (BRCA2 DNA repair associated; plus strand). Cytogenetic location: 13q13.1.
Variant type: single nucleotide variant.
Coding change: c.6579A>G on transcript NM_000059.4 (MANE Select); coding-DNA position 6579, A replaced by G.
Protein change: p.Glu2193=; no amino-acid change (glutamic acid 2193 retained).
Molecular consequence: synonymous variant.
Genome position (GRCh38, 1-based): chr13:32,340,934, A>G. VCF-style: chr13-32340934-A-G. GRCh37 (hg19) VCF-style: chr13-32915071-A-G.
Identifiers: ClinVar variation 481546 (VCV000481546.17), dbSNP rs1555284763, ClinGen allele CA483439228.
Genomic context (GRCh38, chr13:32,340,934, plus strand): 5'-TGTTGAGAACATTCATGTTTTGGGAAAAGAACAGGCTTCACCTAAAAACGTAAAAATGGA[A>G]ATTGGTAAAACTGAAACTTTTTCTGATGTTCCTGTGAAAACAAATATAGAAGTTTGTTCT-3'
Protein context (NP_000050.3, residues 2183-2203): EQASPKNVKM[Glu2193=]IGKTETFSDV

ClinVar aggregate classification (germline): Likely benign. Review status: criteria provided, multiple submitters, no conflicts (2 of 4 stars). 3 submissions from 3 submitters: Likely benign (3). Last evaluated 2024-07-10.

Conditions:
Hereditary breast ovarian cancer syndrome. Also called: Hereditary breast and ovarian cancer syndrome; Hereditary breast and ovarian cancer; Hereditary breast and ovarian cancer syndrome (HBOC); Breast and ovarian cancer; Hereditary breast and/or ovarian cancer syndrome; BRCA1- and BRCA2-Associated Hereditary Breast and Ovarian Cancer. Identifiers: Orphanet 145, MedGen C0677776, MeSH D061325, MONDO:0003582. Disease mechanism: loss of function.
Hereditary cancer-predisposing syndrome. Also called: Neoplastic Syndromes, Hereditary; Tumor predisposition; Hereditary Cancer Syndrome; Hereditary neoplastic syndrome. Identifiers: Orphanet 140162, MedGen C0027672, MeSH D009386, MONDO:0015356.

Submissions (3):

Labcorp Genetics (formerly Invitae), Labcorp
Classification: Likely benign for Hereditary breast ovarian cancer syndrome. Last evaluated: 2024-07-10. Review status: criteria provided, single submitter. Criteria: Invitae Variant Classification Sherloc (09022015). Collection method: clinical testing. Allele origin: germline.

GeneDx
Classification: Likely benign. Last evaluated: 2018-04-26. Review status: criteria provided, single submitter. Criteria: GeneDx Variant Classification (06012015). Collection method: clinical testing. Allele origin: germline. Affected: yes.
Comment: This variant is considered likely benign or benign based on one or more of the following criteria: it is a conservative change, it occurs at a poorly conserved position in the protein, it is predicted to be benign by multiple in silico algorithms, and/or has population frequency not consistent with disease.

Ambry Genetics
Classification: Likely benign for Hereditary cancer-predisposing syndrome. Last evaluated: 2016-05-05. Review status: criteria provided, single submitter. Criteria: Ambry Variant Classification Scheme 2023. Collection method: clinical testing. Allele origin: germline.